The following is an entry in ClinVar:

NM_001040436.3(YARS2):c.472C>G (p.Leu158Val)

Gene: YARS2 (tyrosyl-tRNA synthetase 2; minus strand). Cytogenetic location: 12p11.21.
Variant type: single nucleotide variant.
Coding change: c.472C>G on transcript NM_001040436.3 (MANE Select); coding-DNA position 472, C replaced by G.
Protein change: p.Leu158Val; replaces leucine 158 with valine.
Molecular consequence: missense variant.
Genome position (GRCh38, 1-based): chr12:32,755,403, G>C on the plus strand (C>G on the coding strand, the complement: YARS2 is on the minus strand). VCF-style: chr12-32755403-G-C. GRCh37 (hg19) VCF-style: chr12-32908337-G-C.
Other names: c.472C>G (NM_001040436.2); short protein forms L158V.
Identifiers: ClinVar variation 2170761 (VCV002170761.4), dbSNP rs372547777, ClinGen allele CA235220942.
Genomic context (GRCh38, chr12:32,755,403, plus strand): 5'-GGTACCAGGCCGAGTTGTCCAGCACAGTGAAGCTGCCCCAGGAGCGCCCATCAGTGAAAA[G>C]CTGCTGGTGATTAGCCGCCAGGGCCTCAAGCCCTAGGCGCAGAGCTCGCGCGTTGGCTCG-3'
Protein context (NP_001035526.1, residues 148-168): LEALAANHQQ[Leu158Val]FTDGRSWGSF

ClinVar aggregate classification (germline): Uncertain significance. Review status: criteria provided, multiple submitters, no conflicts (2 of 4 stars). 2 submissions from 2 submitters: Uncertain significance (2). Last evaluated 2025-12-09.

Conditions:
Inborn genetic diseases. Identifiers: MedGen C0950123, MeSH D030342.

Allele frequency attached by ClinVar (database versions not stated): ESP Exome Variant Server 0.00008; gnomAD 0.00003.
gnomAD v4.1: 11 of 1,613,710 alleles (0.00068%); highest among the groups gnomAD compares: African/African-American, 0.011%; no homozygotes.

Submissions (2):

Ambry Genetics
Classification: Uncertain significance for Inborn genetic diseases. Last evaluated: 2025-12-09. Review status: criteria provided, single submitter. Criteria: Ambry Variant Classification Scheme 2023. Collection method: clinical testing. Allele origin: germline.

Labcorp Genetics (formerly Invitae), Labcorp
Classification: Uncertain significance. Last evaluated: 2022-02-25. Review status: criteria provided, single submitter. Criteria: Invitae Variant Classification Sherloc (09022015). Collection method: clinical testing. Allele origin: germline.
Comment: This sequence change replaces leucine, which is neutral and non-polar, with valine, which is neutral and non-polar, at codon 158 of the YARS2 protein (p.Leu158Val). This variant is not present in population databases (gnomAD no frequency). This variant has not been reported in the literature in individuals affected with YARS2-related conditions. Advanced modeling of protein sequence and biophysical properties (such as structural, functional, and spatial information, amino acid conservation, physicochemical variation, residue mobility, and thermodynamic stability) performed at Invitae indicates that this missense variant is not expected to disrupt YARS2 protein function. In summary, the available evidence is currently insufficient to determine the role of this variant in disease. Therefore, it has been classified as a Variant of Uncertain Significance.